The following is an entry in ClinVar:

ClinVar aggregate classification (germline): Pathogenic (1 of 4 stars; one submission).

Conditions:
Gorlin syndrome. Also called: Basal cell nevus syndrome; Nevoid Basal Cell Carcinoma Syndrome. Identifiers: Orphanet 377, MedGen C0004779, MONDO:0007187.

Submission:

Labcorp Genetics (formerly Invitae), Labcorp
Classification: Pathogenic for Gorlin syndrome. Last evaluated: 2023-10-26. Review status: criteria provided, single submitter. Criteria: Invitae Variant Classification Sherloc (09022015). Collection method: clinical testing. Allele origin: germline.
Comment: This sequence change creates a premature translational stop signal (p.Gly1163Alafs*28) in the PTCH1 gene. It is expected to result in an absent or disrupted protein product. Loss-of-function variants in PTCH1 are known to be pathogenic (PMID: 16301862, 16419085). This variant is not present in population databases (gnomAD no frequency). This premature translational stop signal has been observed in individual(s) with symptoms consistent with Gorlin syndrome (Invitae). ClinVar contains an entry for this variant (Variation ID: 576630). Algorithms developed to predict the effect of sequence changes on RNA splicing suggest that this variant may disrupt the consensus splice site. For these reasons, this variant has been classified as Pathogenic.

Literature cited by the submitters: PubMed 16301862; PubMed 16419085.

NM_000264.5(PTCH1):c.3488del (p.Gly1163fs)

Gene: PTCH1 (patched 1; minus strand). Cytogenetic location: 9q22.32.
Variant type: Deletion.
Coding change: c.3488del on transcript NM_000264.5 (MANE Select); coding-DNA position 3488, one base deleted (G; older notation c.3488delG).
Protein change: p.Gly1163fs; shifts the reading frame from glycine 1163.
Molecular consequence: frameshift variant. On other transcripts: non-coding transcript variant (1).
Genome position (GRCh38, 1-based): chr9:95,449,902, C deleted on the plus strand (G on the coding strand, the reverse complement: PTCH1 is on the minus strand); the first of 2 consecutive C bases (chr9:95,449,902-95,449,903); deleting either gives the same sequence. VCF-style (leftmost placement, unchanged base first): chr9-95449901-GC-G. GRCh37 (hg19) VCF-style: chr9-98212183-GC-G.
Other names: c.3290del, p.Gly1097fs (NM_001083602.3); c.3485del, p.Gly1162fs (NM_001083603.3); c.3035del, p.Gly1012fs (NM_001083604.3, NM_001083605.3, NM_001083606.3 and 1 more transcripts); c.3332del, p.Gly1111fs (NM_001354918.2); short protein forms G1097fs, G1162fs, G1012fs, G1111fs, G1163fs.
Identifiers: ClinVar variation 576630 (VCV000576630.9), dbSNP rs1564009755, ClinGen allele CA891843288.